The following is an entry in ClinVar:

ClinVar aggregate classification (germline): Conflicting classifications of pathogenicity. Review status: criteria provided, conflicting classifications (1 of 4 stars). 10 submissions from 10 submitters: Uncertain significance (1); Benign (4); Likely benign (3). 2 of the submissions do not count toward it. Last evaluated 2026-08-01.

Conditions:
Hereditary insensitivity to pain with anhidrosis (CIPA). Also called: NTRK1 Congenital Insensitivity to Pain with Anhidrosis; hereditary sensory and autonomic neuropathy type 4; FAMILIAL DYSAUTONOMIA, TYPE II; NEUROPATHY, CONGENITAL SENSORY, WITH ANHIDROSIS; INSENSITIVITY TO PAIN, CONGENITAL, WITH ANHIDROSIS; HSAN Type IV. Identifiers: Orphanet 642, MedGen C0020074, MONDO:0009746, OMIM 256800.

Allele frequency attached by ClinVar (database versions not stated): 1000 Genomes Project 0.00080; 1000 Genomes Project 30x 0.00109; ESP Exome Variant Server 0.00115; TOPMed 0.00156; gnomAD exomes 0.00169 and 0.00241; ExAC 0.00170; gnomAD 0.00192 and 0.00198.
gnomAD v4.1: 3,817 of 1,614,056 alleles (0.24%); highest among the groups gnomAD compares: Non-Finnish European, 0.27%; 10 homozygotes.

Submissions (10):

CeGaT Center for Human Genetics Tuebingen
Classification: Likely benign. Last evaluated: 2026-08-01. Review status: criteria provided, single submitter. Criteria: CeGaT Center For Human Genetics Tuebingen Variant Classification Criteria Version 2. Collection method: clinical testing. Allele origin: germline. Affected: yes. Observed: 6 variant alleles.
Comment: NTRK1: BP4, BP7

Labcorp Genetics (formerly Invitae), Labcorp
Classification: Benign for Hereditary insensitivity to pain with anhidrosis. Last evaluated: 2026-01-28. Review status: criteria provided, single submitter. Criteria: Invitae Variant Classification Sherloc (09022015). Collection method: clinical testing. Allele origin: germline.

ARUP Laboratories, Molecular Genetics and Genomics, ARUP Laboratories
Classification: Benign for Hereditary insensitivity to pain with anhidrosis. Last evaluated: 2024-12-12. Review status: criteria provided, single submitter. Criteria: ARUP Molecular Germline Variant Investigation Process 2024. Collection method: clinical testing. Allele origin: germline.

Blueprint Genetics
Classification: Likely benign. Last evaluated: 2024-11-23. Review status: criteria provided, single submitter. Criteria: ACMG Guidelines, 2015. Collection method: clinical testing. Allele origin: germline.

Mayo Clinic Laboratories, Mayo Clinic
Classification: Benign. Last evaluated: 2024-03-29. Review status: criteria provided, single submitter. Criteria: ACMG Guidelines, 2015. Collection method: clinical testing. Allele origin: germline. Observed: 6 variant alleles.
Comment: BS1, BS2

GeneDx
Classification: Likely benign. Last evaluated: 2020-12-14. Review status: criteria provided, single submitter. Criteria: GeneDx Variant Classification Process June 2021. Collection method: clinical testing. Allele origin: germline. Affected: yes.

Athena Diagnostics
Classification: Benign. Last evaluated: 2019-06-13. Review status: criteria provided, single submitter. Criteria: Athena Diagnostics Criteria. Collection method: clinical testing. Allele origin: germline.

Illumina Laboratory Services, Illumina
Classification: Uncertain significance for Hereditary insensitivity to pain with anhidrosis. Last evaluated: 2018-01-13. Review status: criteria provided, single submitter. Criteria: ICSL Variant Classification Criteria 13 December 2019. Collection method: clinical testing. Allele origin: germline.

Clinical Genetics DNA and cytogenetics Diagnostics Lab, Erasmus MC, Erasmus Medical Center
Classification: Likely benign. Review status: no assertion criteria provided. Collection method: clinical testing. Allele origin: germline. Affected: yes. Study: VKGL Data-share Consensus. Not counted in ClinVar's aggregate classification.

Clinical Genetics, Academic Medical Center
Classification: Likely benign. Review status: no assertion criteria provided. Collection method: clinical testing. Allele origin: germline. Affected: yes. Study: VKGL Data-share Consensus. Not counted in ClinVar's aggregate classification.

NM_002529.4(NTRK1):c.1908G>A (p.Ala636=)

Gene: NTRK1 (neurotrophic receptor tyrosine kinase 1; plus strand). Cytogenetic location: 1q23.1.
Variant type: single nucleotide variant.
Coding change: c.1908G>A on transcript NM_002529.4 (MANE Select); coding-DNA position 1908, G replaced by A.
Protein change: p.Ala636=; no amino-acid change (alanine 636 retained).
Molecular consequence: synonymous variant.
Genome position (GRCh38, 1-based): chr1:156,879,224, G>A. VCF-style: chr1-156879224-G-A. GRCh37 (hg19) VCF-style: chr1-156849016-G-A.
Other names: p.Ala630=; c.1800G>A, p.Ala600= (NM_001007792.1); c.1890G>A, p.Ala630= (NM_001012331.2).
Identifiers: ClinVar variation 380670 (VCV000380670.95), dbSNP rs17838192, ClinGen allele CA1169513.